The following is an entry in ClinVar:

NM_002693.3(POLG):c.3301G>A (p.Val1101Ile)

Gene: POLG (DNA polymerase gamma, catalytic subunit; minus strand). Cytogenetic location: 15q26.1.
Variant type: single nucleotide variant.
Coding change: c.3301G>A on transcript NM_002693.3 (MANE Select); coding-DNA position 3301, G replaced by A.
Protein change: p.Val1101Ile; replaces valine 1101 with isoleucine.
Molecular consequence: missense variant.
Genome position (GRCh38, 1-based): chr15:89,318,722, C>T on the plus strand (G>A on the coding strand, the complement: POLG is on the minus strand). VCF-style: chr15-89318722-C-T. GRCh37 (hg19) VCF-style: chr15-89861953-C-T.
Other names: c.3301G>A, p.Val1101Ile (NM_001126131.2); short protein forms V1101I.
Identifiers: ClinVar variation 1936496 (VCV001936496.5), dbSNP rs2509203762, ClinGen allele CA393750138.

ClinVar aggregate classification (germline): Uncertain significance (1 of 4 stars; one submission).

Conditions:
Progressive sclerosing poliodystrophy (MTDPS4A). Also called: Mitochondrial DNA Depletion Syndrome 4A; ALPERS PROGRESSIVE INFANTILE POLIODYSTROPHY; NEURONAL DEGENERATION OF CHILDHOOD WITH LIVER DISEASE, PROGRESSIVE; Mitochondrial DNA depletion syndrome 4A (Alpers type); Alpers-Huttenlocher Syndrome (AHS); Alpers Syndrome. Identifiers: Orphanet 726, MedGen C0205710, MONDO:0008758, OMIM 203700.

Allele frequency attached by ClinVar (database versions not stated): gnomAD exomes below 0.00001.
gnomAD v4.1: 1 of 1,614,134 alleles (0.000062%); highest among the groups gnomAD compares: South Asian, 0.0011%; no homozygotes.

Submission:

Labcorp Genetics (formerly Invitae), Labcorp
Classification: Uncertain significance for Progressive sclerosing poliodystrophy. Last evaluated: 2022-03-01. Review status: criteria provided, single submitter. Criteria: Invitae Variant Classification Sherloc (09022015). Collection method: clinical testing. Allele origin: germline.
Comment: This sequence change replaces valine, which is neutral and non-polar, with isoleucine, which is neutral and non-polar, at codon 1101 of the POLG protein (p.Val1101Ile). This variant is not present in population databases (gnomAD no frequency). This variant has not been reported in the literature in individuals affected with POLG-related conditions. Algorithms developed to predict the effect of missense changes on protein structure and function are either unavailable or do not agree on the potential impact of this missense change (SIFT: "Tolerated"; PolyPhen-2: "Probably Damaging"; Align-GVGD: "Class C0"). In summary, the available evidence is currently insufficient to determine the role of this variant in disease. Therefore, it has been classified as a Variant of Uncertain Significance.